The following is an entry in ClinVar:

ClinVar aggregate classification (germline): Uncertain significance (0 of 4 stars; one submission).

Conditions:
SEMA3F-related disorder. Also called: SEMA3F-related condition.

gnomAD v4.1: 2 of 1,613,872 alleles (0.00012%); highest among the groups gnomAD compares: African/African-American, 0.0013%; no homozygotes.

Submission:

PreventionGenetics, part of Exact Sciences
Classification: Uncertain significance for SEMA3F-related condition. Last evaluated: 2024-01-31. Review status: no assertion criteria provided. Collection method: clinical testing. Allele origin: germline.
Comment: The SEMA3F c.931G>T variant is predicted to result in the amino acid substitution p.Val311Phe. To our knowledge, this variant has not been reported in the literature. This variant is reported in 0.0062% of alleles in individuals of African descent in gnomAD. At this time, the clinical significance of this variant is uncertain due to the absence of conclusive functional and genetic evidence.

NM_004186.5(SEMA3F):c.931G>T (p.Val311Phe)

Gene: SEMA3F (semaphorin 3F; plus strand). Cytogenetic location: 3p21.31.
Variant type: single nucleotide variant.
Coding change: c.931G>T on transcript NM_004186.5 (MANE Select); coding-DNA position 931, G replaced by T.
Protein change: p.Val311Phe; replaces valine 311 with phenylalanine.
Molecular consequence: missense variant.
Genome position (GRCh38, 1-based): chr3:50,182,931, G>T. VCF-style: chr3-50182931-G-T. GRCh37 (hg19) VCF-style: chr3-50220364-G-T.
Other names: c.634G>T, p.Val212Phe (NM_001318798.2); c.838G>T, p.Val280Phe (NM_001318800.2); short protein forms V212F, V280F, V311F.
Identifiers: ClinVar variation 3349153 (VCV003349153.1).